The following is an entry in ClinVar:

NM_004006.3(DMD):c.5339del (p.Pro1779_Leu1780insTer)

Gene: DMD (dystrophin; minus strand). Cytogenetic location: Xp21.1.
Variant type: Deletion.
Coding change: c.5339del on transcript NM_004006.3 (MANE Select); coding-DNA position 5339, one base deleted (T; older notation c.5339delT).
Protein change: p.Pro1779_Leu1780insTer.
Molecular consequence: nonsense.
Genome position (GRCh38, 1-based): chrX:32,348,515, A deleted on the plus strand (T on the coding strand, the reverse complement: DMD is on the minus strand); the first of 3 consecutive A bases (chrX:32,348,515-32,348,517); deleting any one gives the same sequence. VCF-style (leftmost placement, unchanged base first): chrX-32348514-CA-C. GRCh37 (hg19) VCF-style: chrX-32366631-CA-C.
Other names: c.5315del, p.Pro1771_Leu1772insTer (NM_000109.4); c.5327del, p.Pro1775_Leu1776insTer (NM_004009.3); c.4970del, p.Pro1656_Leu1657insTer (NM_004010.3); c.1316del, p.Pro438_Leu439insTer (NM_004011.4); c.1307del, p.Pro435_Leu436insTer (NM_004012.4).
Identifiers: ClinVar variation 2810361 (VCV002810361.3), dbSNP rs2522062932, ClinGen allele CA2739270750.

ClinVar aggregate classification (germline): Pathogenic (1 of 4 stars; one submission).

Conditions:
Duchenne muscular dystrophy (DMD). Also called: MUSCULAR DYSTROPHY, PSEUDOHYPERTROPHIC PROGRESSIVE, DUCHENNE TYPE; Duchenne Muscular Dystrophy (DMD). Identifiers: Orphanet 98896, MedGen C0013264, MONDO:0010679, OMIM 310200.

Submission:

Labcorp Genetics (formerly Invitae), Labcorp
Classification: Pathogenic for Duchenne muscular dystrophy. Last evaluated: 2022-10-28. Review status: criteria provided, single submitter. Criteria: Invitae Variant Classification Sherloc (09022015). Collection method: clinical testing. Allele origin: germline.
Comment: For these reasons, this variant has been classified as Pathogenic. This variant has not been reported in the literature in individuals affected with DMD-related conditions. This variant is not present in population databases (gnomAD no frequency). This sequence change creates a premature translational stop signal (p.Leu1780*) in the DMD gene. It is expected to result in an absent or disrupted protein product. Loss-of-function variants in DMD are known to be pathogenic (PMID: 16770791, 25007885).

Literature cited by the submitters: PubMed 16770791; PubMed 25007885.